The following is an entry in ClinVar:

ClinVar aggregate classification (germline): Uncertain significance (1 of 4 stars; one submission).

Conditions:
Inborn genetic diseases. Identifiers: MedGen C0950123, MeSH D030342.

Allele frequency attached by ClinVar (database versions not stated): ExAC 0.00022; TOPMed 0.00024; gnomAD 0.00028; 1000 Genomes Project 30x 0.00031; gnomAD exomes 0.00037; ESP Exome Variant Server 0.00038; 1000 Genomes Project 0.00040.
gnomAD v4.1: 559 of 1,555,930 alleles (0.036%); highest among the groups gnomAD compares: Middle Eastern, 0.069%; no homozygotes.

Submission:

Ambry Genetics
Classification: Uncertain significance for Inborn genetic diseases. Last evaluated: 2020-01-29. Review status: criteria provided, single submitter. Criteria: Ambry Variant Classification Scheme 2023. Collection method: clinical testing. Allele origin: germline.
Comment: The p.I502T variant (also known as c.1505T>C), located in coding exon 6 of the LINS gene, results from a T to C substitution at nucleotide position 1505. The isoleucine at codon 502 is replaced by threonine, an amino acid with similar properties. This amino acid position is highly conserved in available vertebrate species. In addition, this alteration is predicted to be tolerated by in silico analysis. Since supporting evidence is limited at this time, the clinical significance of this alteration remains unclear.

NM_001040616.3(LINS1):c.1505T>C (p.Ile502Thr)

Gene: LINS1 (lines homolog 1; minus strand). Cytogenetic location: 15q26.3.
Variant type: single nucleotide variant.
Coding change: c.1505T>C on transcript NM_001040616.3 (MANE Select); coding-DNA position 1505, T replaced by C.
Protein change: p.Ile502Thr; replaces isoleucine 502 with threonine.
Molecular consequence: missense variant. On other transcripts: non-coding transcript variant (3).
Genome position (GRCh38, 1-based): chr15:100,570,007, A>G on the plus strand (T>C on the coding strand, the complement: LINS1 is on the minus strand). VCF-style: chr15-100570007-A-G. GRCh37 (hg19) VCF-style: chr15-101110212-A-G.
Other names: c.758T>C, p.Ile253Thr (NM_001352507.2); c.1352T>C, p.Ile451Thr (NM_001352508.2); short protein forms I253T, I451T, I502T.
Identifiers: ClinVar variation 1800369 (VCV001800369.2), dbSNP rs140545990, ClinGen allele CA7759386.